The following is an entry in ClinVar:

ClinVar aggregate classification (germline): Likely benign. Review status: criteria provided, multiple submitters, no conflicts (2 of 4 stars). 2 submissions from 2 submitters: Likely benign (2). Last evaluated 2025-05-27.

Conditions:
Tuberous sclerosis 2 (TSC2). Identifiers: Orphanet 805, MedGen C1860707, MONDO:0013199, OMIM 613254.

Allele frequency attached by ClinVar (database versions not stated): ExAC 0.00001.
gnomAD v4.1: 1 of 1,612,024 alleles (0.000062%); highest among the groups gnomAD compares: Non-Finnish European, 0.000085%; no homozygotes.

Submissions (2):

Myriad Genetics, Inc.
Classification: Likely benign for Tuberous sclerosis 2. Last evaluated: 2025-05-27. Review status: criteria provided, single submitter. Criteria: Myriad Autosomal Dominant, Autosomal Recessive and X-Linked Classification Criteria (2023). Collection method: clinical testing. Allele origin: unknown.
Comment: This variant is considered likely benign. This variant is intronic and is not expected to impact mRNA splicing.

Labcorp Genetics (formerly Invitae), Labcorp
Classification: Likely benign for Tuberous sclerosis 2. Last evaluated: 2022-08-16. Review status: criteria provided, single submitter. Criteria: Invitae Variant Classification Sherloc (09022015). Collection method: clinical testing. Allele origin: germline.

NM_000548.5(TSC2):c.2966+8G>C

Gene: TSC2 (TSC complex subunit 2; plus strand). Cytogenetic location: 16p13.3.
Variant type: single nucleotide variant.
Coding change: c.2966+8G>C on transcript NM_000548.5 (MANE Select); 8 bases into the intron after coding-DNA position 2966, G replaced by C.
Molecular consequence: intron variant.
Genome position (GRCh38, 1-based): chr16:2,077,734, G>C. VCF-style: chr16-2077734-G-C. GRCh37 (hg19) VCF-style: chr16-2127735-G-C.
Other names: c.2966+8G>C (NM_001114382.3); c.2837+1149G>C (NM_021055.3, NM_001370405.1, NM_001363528.2 and 2 more transcripts); c.2726+1149G>C (NM_001318827.2); c.2237+1149G>C (NM_001318831.2); c.2690+1149G>C (NM_001318829.2); c.2870+1149G>C (NM_001318832.2).
Identifiers: ClinVar variation 1620329 (VCV001620329.9), dbSNP rs750283532, ClinGen allele CA043323.
Genomic context (GRCh38, chr16:2,077,734, plus strand): 5'-GCCGAGGCCTTCCGGTGCCGCAGCATCAGTGTGTCTGAACATGTGGTCCGCAGGTAGCGG[G>C]ACTGTCGGGTGGGGGGCACGGACCCTGGAGCTTGGCCCCGTGAGCACCTGGGTGGCAGTG-3'